The following is an entry in ClinVar:

NM_000053.4(ATP7B):c.580C>T (p.Pro194Ser)

Gene: ATP7B (ATPase copper transporting beta; minus strand). Cytogenetic location: 13q14.3.
Variant type: single nucleotide variant.
Coding change: c.580C>T on transcript NM_000053.4 (MANE Select); coding-DNA position 580, C replaced by T.
Protein change: p.Pro194Ser; replaces proline 194 with serine.
Molecular consequence: missense variant.
Genome position (GRCh38, 1-based): chr13:51,974,640, G>A on the plus strand (C>T on the coding strand, the complement: ATP7B is on the minus strand). VCF-style: chr13-51974640-G-A. GRCh37 (hg19) VCF-style: chr13-52548776-G-A.
Other names: c.580C>T, p.Pro194Ser (NM_001005918.3, NM_001243182.2, NM_001330578.2 and 30 more transcripts); c.484C>T, p.Pro162Ser (NM_001406517.1, NM_001406518.1, NM_001406530.1 and 4 more transcripts); short protein forms P162S, P194S.
Identifiers: ClinVar variation 2146311 (VCV002146311.1), dbSNP rs2547820775, ClinGen allele CA388042570.

ClinVar aggregate classification (germline): Uncertain significance (1 of 4 stars; one submission).

Conditions:
Wilson disease (WND). Also called: Wilson's disease. Identifiers: Orphanet 905, MedGen C0019202, MONDO:0010200, OMIM 277900. Disease mechanism: loss of function.

Allele frequency attached by ClinVar (database versions not stated): gnomAD exomes below 0.00001.
gnomAD v4.1: 1 of 1,612,236 alleles (0.000062%); highest among the groups gnomAD compares: Admixed American, 0.0017%; no homozygotes.

Submission:

Labcorp Genetics (formerly Invitae), Labcorp
Classification: Uncertain significance for Wilson disease. Last evaluated: 2022-06-24. Review status: criteria provided, single submitter. Criteria: Invitae Variant Classification Sherloc (09022015). Collection method: clinical testing. Allele origin: germline.
Comment: This sequence change replaces proline, which is neutral and non-polar, with serine, which is neutral and polar, at codon 194 of the ATP7B protein (p.Pro194Ser). This variant is not present in population databases (gnomAD no frequency). This variant has not been reported in the literature in individuals affected with ATP7B-related conditions. Advanced modeling of protein sequence and biophysical properties (such as structural, functional, and spatial information, amino acid conservation, physicochemical variation, residue mobility, and thermodynamic stability) performed at Invitae indicates that this missense variant is not expected to disrupt ATP7B protein function. In summary, the available evidence is currently insufficient to determine the role of this variant in disease. Therefore, it has been classified as a Variant of Uncertain Significance.